The following is an entry in ClinVar:

NM_001367624.2(ZNF469):c.9242C>A (p.Thr3081Lys)

Gene: ZNF469 (zinc finger protein 469; plus strand). Cytogenetic location: 16q24.2.
Variant type: single nucleotide variant.
Coding change: c.9242C>A on transcript NM_001367624.2 (MANE Select); coding-DNA position 9242, C replaced by A.
Protein change: p.Thr3081Lys; replaces threonine 3081 with lysine.
Molecular consequence: missense variant.
Genome position (GRCh38, 1-based): chr16:88,436,712, C>A. VCF-style: chr16-88436712-C-A. GRCh37 (hg19) VCF-style: chr16-88503120-C-A.
Other names: NM_001127464.1:c.9158C>A; short protein forms T3081K.
Identifiers: ClinVar variation 2561852 (VCV002561852.3), dbSNP rs1002115521, ClinGen allele CA397121550.

ClinVar aggregate classification (germline): Conflicting classifications of pathogenicity. Review status: criteria provided, conflicting classifications (1 of 4 stars). 2 submissions from 2 submitters: Uncertain significance (1); Likely benign (1). Last evaluated 2023-09-01.

Conditions:
Cardiovascular phenotype. Identifiers: MedGen CN230736.

gnomAD v4.1: 6 of 1,549,140 alleles (0.00039%); highest among the groups gnomAD compares: Admixed American, 0.012%; no homozygotes.

Submissions (2):

GeneDx
Classification: Uncertain significance. Last evaluated: 2023-09-01. Review status: criteria provided, single submitter. Criteria: GeneDx Variant Classification Process June 2021. Collection method: clinical testing. Allele origin: germline. Affected: yes.
Comment: Has not been previously published as pathogenic or benign to our knowledge; In silico analysis supports that this missense variant does not alter protein structure/function

Ambry Genetics
Classification: Likely benign for Cardiovascular phenotype. Last evaluated: 2023-03-25. Review status: criteria provided, single submitter. Criteria: Ambry Variant Classification Scheme 2023. Collection method: clinical testing. Allele origin: germline.